The following is an entry in ClinVar:

ClinVar aggregate classification (germline): Uncertain significance. Review status: criteria provided, multiple submitters, no conflicts (2 of 4 stars). 3 submissions from 3 submitters: Uncertain significance (3). Last evaluated 2025-10-01.

Conditions:
Inborn genetic diseases. Identifiers: MedGen C0950123, MeSH D030342.
Bethlem myopathy 2 (BTHLM2). Identifiers: Orphanet 536516, Orphanet 610, MedGen C4225313, MONDO:0034022, OMIM 616471.
Ullrich congenital muscular dystrophy 2 (UCMD2). Identifiers: Orphanet 75840, MedGen C4225314, MONDO:0014654, OMIM 616470.

Allele frequency attached by ClinVar (database versions not stated): gnomAD 0.00001; gnomAD exomes 0.00001 and 0.00002.
gnomAD v4.1: 23 of 1,613,728 alleles (0.0014%); highest among the groups gnomAD compares: Non-Finnish European, 0.0019%; no homozygotes.

Submissions (3):

Labcorp Genetics (formerly Invitae), Labcorp
Classification: Uncertain significance for Bethlem myopathy 2; Ullrich congenital muscular dystrophy 2. Last evaluated: 2025-10-01. Review status: criteria provided, single submitter. Criteria: Invitae Variant Classification Sherloc (09022015). Collection method: clinical testing. Allele origin: germline.
Comment: This sequence change replaces valine, which is neutral and non-polar, with isoleucine, which is neutral and non-polar, at codon 2063 of the COL12A1 protein (p.Val2063Ile). This variant is present in population databases (no rsID available, gnomAD 0.0009%). This variant has not been reported in the literature in individuals affected with COL12A1-related conditions. ClinVar contains an entry for this variant (Variation ID: 1318816). Invitae Evidence Modeling of protein sequence and biophysical properties (such as structural, functional, and spatial information, amino acid conservation, physicochemical variation, residue mobility, and thermodynamic stability) indicates that this missense variant is not expected to disrupt COL12A1 protein function with a negative predictive value of 80%. In summary, the available evidence is currently insufficient to determine the role of this variant in disease. Therefore, it has been classified as a Variant of Uncertain Significance.

Ambry Genetics
Classification: Uncertain significance for Inborn genetic diseases. Last evaluated: 2022-11-07. Review status: criteria provided, single submitter. Criteria: Ambry Variant Classification Scheme 2023. Collection method: clinical testing. Allele origin: germline.

GeneDx
Classification: Uncertain significance. Last evaluated: 2019-07-30. Review status: criteria provided, single submitter. Criteria: GeneDx Variant Classification Process June 2021. Collection method: clinical testing. Allele origin: germline. Affected: yes.
Comment: Has not been previously published as pathogenic or benign to our knowledge; Not observed at a significant frequency in large population cohorts (Lek et al., 2016); In silico analysis, which includes protein predictors and evolutionary conservation, supports that this variant does not alter protein structure/function

NM_004370.6(COL12A1):c.6187G>A (p.Val2063Ile)

Gene: COL12A1 (collagen type XII alpha 1 chain; minus strand). Cytogenetic location: 6q13.
Variant type: single nucleotide variant.
Coding change: c.6187G>A on transcript NM_004370.6 (MANE Select); coding-DNA position 6187, G replaced by A.
Protein change: p.Val2063Ile; replaces valine 2063 with isoleucine.
Molecular consequence: missense variant.
Genome position (GRCh38, 1-based): chr6:75,130,114, C>T on the plus strand (G>A on the coding strand, the complement: COL12A1 is on the minus strand). VCF-style: chr6-75130114-C-T. GRCh37 (hg19) VCF-style: chr6-75839830-C-T.
Other names: c.2695G>A, p.Val899Ile (NM_080645.3); short protein forms V2063I, V899I.
Identifiers: ClinVar variation 1318816 (VCV001318816.6), dbSNP rs1385786827, ClinGen allele CA364730850.